The following is an entry in ClinVar:

ClinVar aggregate classification (germline): Uncertain significance (1 of 4 stars; one submission).

Submission:

GeneDx
Classification: Uncertain significance. Last evaluated: 2025-05-28. Review status: criteria provided, single submitter. Criteria: GeneDx Variant Classification Process June 2021. Collection method: clinical testing. Allele origin: germline. Affected: yes.
Comment: A functional study demonstrates P274L reduces binding to ubiquitin and decreases deubiquitinase (DUB) activity toward H2A (PMID: 26416890); Not observed at significant frequency in large population cohorts (gnomAD); In silico analysis supports that this missense variant has a deleterious effect on protein structure/function; This variant is associated with the following publications: (PMID: 26416890)

NM_018263.6(ASXL2):c.821C>T (p.Pro274Leu)

Gene: ASXL2 (ASXL transcriptional regulator 2; minus strand). Cytogenetic location: 2p23.3.
Variant type: single nucleotide variant.
Coding change: c.821C>T on transcript NM_018263.6 (MANE Select); coding-DNA position 821, C replaced by T.
Protein change: p.Pro274Leu; replaces proline 274 with leucine.
Molecular consequence: missense variant.
Genome position (GRCh38, 1-based): chr2:25,759,600, G>A on the plus strand (C>T on the coding strand, the complement: ASXL2 is on the minus strand). VCF-style: chr2-25759600-G-A. GRCh37 (hg19) VCF-style: chr2-25982469-G-A.
Other names: c.647C>T, p.Pro216Leu (NM_001369346.1); c.41C>T, p.Pro14Leu (NM_001369347.1); short protein forms P14L, P216L, P274L.
Identifiers: ClinVar variation 4532544 (VCV004532544.1).
Genomic context (GRCh38, chr2:25,759,600, plus strand): 5'-ACTGAAAATGTGTGCTTGTTGATCAGTGCTCGCAGATTTGTATTAACCAGAATGGAGTCC[G>A]GTGTCTCAACGTCAATGTCAGCACATTTAGTTCTTTTCATTTGTCCTACAAAAACAGAGA-3'
Protein context (NP_060733.4, residues 264-284): TKCADIDVET[Pro274Leu]DSILVNTNLR